The following is an entry in ClinVar:

ClinVar aggregate classification (germline): Uncertain significance (1 of 4 stars; one submission).

Submission:

GeneDx
Classification: Uncertain significance. Last evaluated: 2024-09-23. Review status: criteria provided, single submitter. Criteria: GeneDx Variant Classification Process June 2021. Collection method: clinical testing. Allele origin: germline. Affected: yes.
Comment: Frameshift variant predicted to result in abnormal protein length as the last 620 amino acids are replaced with 17 different amino acids; Has not been previously published as pathogenic or benign to our knowledge

NM_015721.3(GEMIN4):c.1316delinsTAA (p.Ala439fs)

Gene: GEMIN4 (gem nuclear organelle associated protein 4; minus strand). Cytogenetic location: 17p13.3.
Variant type: Indel.
Coding change: c.1316delinsTAA on transcript NM_015721.3 (MANE Select); coding-DNA position 1316, C replaced by TAA.
Protein change: p.Ala439fs; shifts the reading frame from alanine 439.
Molecular consequence: frameshift variant.
Genome position (GRCh38, 1-based): chr17:746,727, G replaced by TTA on the plus strand (C replaced by TAA on the coding strand, the reverse complement: GEMIN4 is on the minus strand). VCF-style: chr17-746727-G-TTA. GRCh37 (hg19) VCF-style: chr17-649967-G-TTA.
Other names: short protein forms A439fs.
Identifiers: ClinVar variation 3774245 (VCV003774245.1).